The following is an entry in ClinVar:

NM_000843.4(GRM6):c.1148G>A (p.Cys383Tyr)

Genes: GRM6 (glutamate metabotropic receptor 6; minus strand), ZNF454 (zinc finger protein 454; plus strand). Cytogenetic location: 5q35.3.
Variant type: single nucleotide variant.
Coding change: c.1148G>A on transcript NM_000843.4 (MANE Select); coding-DNA position 1148, G replaced by A.
Protein change: p.Cys383Tyr; replaces cysteine 383 with tyrosine.
Molecular consequence: missense variant.
Genome position (GRCh38, 1-based): chr5:178,989,270, C>T on the plus strand (G>A on the coding strand, the complement: GRM6 is on the minus strand). VCF-style: chr5-178989270-C-T. GRCh37 (hg19) VCF-style: chr5-178416271-C-T.
Other names: short protein forms C383Y.
Identifiers: ClinVar variation 1998373 (VCV001998373.4), dbSNP rs2480389792, ClinGen allele CA362430296.

ClinVar aggregate classification (germline): Uncertain significance (1 of 4 stars; one submission).

Submission:

Labcorp Genetics (formerly Invitae), Labcorp
Classification: Uncertain significance. Last evaluated: 2022-10-18. Review status: criteria provided, single submitter. Criteria: Invitae Variant Classification Sherloc (09022015). Collection method: clinical testing. Allele origin: germline.
Comment: In summary, the available evidence is currently insufficient to determine the role of this variant in disease. Therefore, it has been classified as a Variant of Uncertain Significance. Advanced modeling of protein sequence and biophysical properties (such as structural, functional, and spatial information, amino acid conservation, physicochemical variation, residue mobility, and thermodynamic stability) performed at Invitae indicates that this missense variant is expected to disrupt GRM6 protein function. This variant has not been reported in the literature in individuals affected with GRM6-related conditions. This variant is not present in population databases (gnomAD no frequency). This sequence change replaces cysteine, which is neutral and slightly polar, with tyrosine, which is neutral and polar, at codon 383 of the GRM6 protein (p.Cys383Tyr).